The following is an entry in ClinVar:

ClinVar aggregate classification (germline): Likely benign (0 of 4 stars; one submission).

Conditions:
SERAC1-related disorder. Also called: SERAC1-related condition; SERAC1-related disorders.

Allele frequency attached by ClinVar (database versions not stated): TOPMed 0.00001.
gnomAD v4.1: 16 of 1,613,828 alleles (0.00099%); highest among the groups gnomAD compares: Non-Finnish European, 0.0014%; no homozygotes.

Submission:

PreventionGenetics, part of Exact Sciences
Classification: Likely benign for SERAC1-related condition. Last evaluated: 2019-07-30. Review status: no assertion criteria provided. Collection method: clinical testing. Allele origin: germline.
Comment: This variant is classified as likely benign based on ACMG/AMP sequence variant interpretation guidelines (Richards et al. 2015 PMID: 25741868, with internal and published modifications).

NM_032861.4(SERAC1):c.1566C>T (p.Asn522=)

Gene: SERAC1 (serine active site containing 1; minus strand). Cytogenetic location: 6q25.3.
Variant type: single nucleotide variant.
Coding change: c.1566C>T on transcript NM_032861.4 (MANE Select); coding-DNA position 1566, C replaced by T.
Protein change: p.Asn522=; no amino-acid change (asparagine 522 retained).
Molecular consequence: synonymous variant. On other transcripts: non-coding transcript variant (1).
Genome position (GRCh38, 1-based): chr6:158,114,907, G>A on the plus strand (C>T on the coding strand, the complement: SERAC1 is on the minus strand). VCF-style: chr6-158114907-G-A. GRCh37 (hg19) VCF-style: chr6-158535939-G-A.
Identifiers: ClinVar variation 3034754 (VCV003034754.2), dbSNP rs937543773, ClinGen allele CA150915111.
Genomic context (GRCh38, chr6:158,114,907, plus strand): 5'-GTATTCAGCCAAACGTGATCCATGATGAGGGACACTATAAAAAATTATTCCTCTGGTATT[G>A]TTGATAACAGTACTCATTTCTGGCTTCGTAGAGGCTTCCAACAGCATCTTTTTGACAAGA-3'
Protein context (NP_116250.3, residues 512-532): STKPEMSTVI[Asn522=]NTRGIIFYSV